The following is an entry in ClinVar:

NM_001148.6(ANK2):c.85-5C>T

Gene: ANK2 (ankyrin 2; plus strand). Cytogenetic location: 4q25.
Variant type: single nucleotide variant.
Coding change: c.85-5C>T on transcript NM_001148.6 (MANE Select); 5 bases into the intron before coding-DNA position 85, C replaced by T.
Molecular consequence: intron variant. On other transcripts: missense variant (4).
Genome position (GRCh38, 1-based): chr4:113,174,411, C>T. VCF-style: chr4-113174411-C-T. GRCh37 (hg19) VCF-style: chr4-114095567-C-T.
Other names: c.67C>T, p.Arg23Cys (NM_001354269.3, NM_001386148.2, NM_001386186.2 and 1 more transcripts); c.67-5C>T (NM_001386147.1, NM_001386160.1, NM_001354261.2); c.22-5C>T (NM_001354254.2, NM_001354239.2, NM_001354252.2 and 33 more transcripts); c.130-5C>T (NM_001354241.2, NM_001386152.1, NM_001354237.2 and 5 more transcripts); c.85-5C>T (NM_001354225.2, NM_001354235.2, NM_001354246.2 and 9 more transcripts); c.136-5C>T (NM_001386174.1, NM_001386175.1); short protein forms R23C.
Identifiers: ClinVar variation 516423 (VCV000516423.14), dbSNP rs372560419, ClinGen allele CA104496998.

ClinVar aggregate classification (germline): Conflicting classifications of pathogenicity. Review status: criteria provided, conflicting classifications (1 of 4 stars). 4 submissions from 4 submitters: Uncertain significance (1); Likely benign (2). 1 of the submissions does not count toward it. Last evaluated 2025-01-19.

Conditions:
Long QT syndrome (LQTS). Identifiers: MedGen C0023976, MeSH D008133, MONDO:0002442. Disease mechanism: loss of function. Inheritance: Various modes of inheritance.
Cardiovascular phenotype. Identifiers: MedGen CN230736.
ANK2-related disorder. Also called: ANK2-related condition.

Allele frequency attached by ClinVar (database versions not stated): gnomAD exomes 0.00001; gnomAD 0.00006 and 0.00007; TOPMed 0.00006; ESP Exome Variant Server 0.00015.
gnomAD v4.1: 30 of 1,608,886 alleles (0.0019%); highest among the groups gnomAD compares: African/African-American, 0.013%; no homozygotes.

Submissions (4):

Labcorp Genetics (formerly Invitae), Labcorp
Classification: Likely benign for Long QT syndrome. Last evaluated: 2025-01-19. Review status: criteria provided, single submitter. Criteria: Invitae Variant Classification Sherloc (09022015). Collection method: clinical testing. Allele origin: germline.

Ambry Genetics
Classification: Uncertain significance for Cardiovascular phenotype. Last evaluated: 2023-09-11. Review status: criteria provided, single submitter. Criteria: Ambry Variant Classification Scheme 2023. Collection method: clinical testing. Allele origin: germline.
Comment: The c.85-5C>T intronic variant results from a C to T substitution 5 nucleotides upstream from coding exon 2 in the ANK2 gene. This nucleotide position is poorly conserved in available vertebrate species. In silico splice site analysis predicts that this alteration will not have any significant effect on splicing. According to data from gnomAD, the frequency for this variant is above the maximum credible frequency for a cardiac disease-causing variant in this gene based on internally established thresholds (Karczewski et al. Nature. 2020 May;581(7809):434-443; Whiffin et al. Genet Med. 2017 10;19:1151-1158). Based on the supporting evidence, the association of this alteration with ANK2-related neurodevelopmental disorder is unknown; however, the association with ANK2-related arrhythmia is unlikely.

GeneDx
Classification: Likely benign. Last evaluated: 2019-10-21. Review status: criteria provided, single submitter. Criteria: GeneDx Variant Classification Process June 2021. Collection method: clinical testing. Allele origin: germline. Affected: yes.

PreventionGenetics, part of Exact Sciences
Classification: Likely benign for ANK2-related condition. Last evaluated: 2020-01-22. Review status: no assertion criteria provided. Collection method: clinical testing. Allele origin: germline. Not counted in ClinVar's aggregate classification.
Comment: This variant is classified as likely benign based on ACMG/AMP sequence variant interpretation guidelines (Richards et al. 2015 PMID: 25741868, with internal and published modifications).